The following is an entry in ClinVar:

ClinVar aggregate classification (germline): Uncertain significance (1 of 4 stars; one submission).

Submission:

Labcorp Genetics (formerly Invitae), Labcorp
Classification: Uncertain significance. Last evaluated: 2022-09-28. Review status: criteria provided, single submitter. Criteria: Invitae Variant Classification Sherloc (09022015). Collection method: clinical testing. Allele origin: germline.
Comment: This sequence change replaces glycine, which is neutral and non-polar, with arginine, which is basic and polar, at codon 32 of the ROM1 protein (p.Gly32Arg). This variant is not present in population databases (gnomAD no frequency). This variant has not been reported in the literature in individuals affected with ROM1-related conditions. Advanced modeling of protein sequence and biophysical properties (such as structural, functional, and spatial information, amino acid conservation, physicochemical variation, residue mobility, and thermodynamic stability) performed at Invitae indicates that this missense variant is not expected to disrupt ROM1 protein function. In summary, the available evidence is currently insufficient to determine the role of this variant in disease. Therefore, it has been classified as a Variant of Uncertain Significance.

NM_000327.4(ROM1):c.94G>C (p.Gly32Arg)

Gene: ROM1 (retinal outer segment membrane protein 1; plus strand). Cytogenetic location: 11q12.3.
Variant type: single nucleotide variant.
Coding change: c.94G>C on transcript NM_000327.4 (MANE Select); coding-DNA position 94, G replaced by C.
Protein change: p.Gly32Arg; replaces glycine 32 with arginine.
Molecular consequence: missense variant.
Genome position (GRCh38, 1-based): chr11:62,613,375, G>C. VCF-style: chr11-62613375-G-C. GRCh37 (hg19) VCF-style: chr11-62380847-G-C.
Other names: short protein forms G32R.
Identifiers: ClinVar variation 1719244 (VCV001719244.5), dbSNP rs550851372, ClinGen allele CA380968303.